The following is an entry in ClinVar:

NM_001372076.1(PAX9):c.230G>A (p.Arg77Gln)

Gene: PAX9 (paired box 9; plus strand). Cytogenetic location: 14q13.3.
Variant type: single nucleotide variant.
Coding change: c.230G>A on transcript NM_001372076.1 (MANE Select); coding-DNA position 230, G replaced by A.
Protein change: p.Arg77Gln; replaces arginine 77 with glutamine.
Molecular consequence: missense variant.
Genome position (GRCh38, 1-based): chr14:36,663,122, G>A. VCF-style: chr14-36663122-G-A. GRCh37 (hg19) VCF-style: chr14-37132327-G-A.
Other names: c.230G>A, p.Arg77Gln (NM_006194.4); short protein forms R77Q.
Identifiers: ClinVar variation 975792 (VCV000975792.2), dbSNP rs1881346298, ClinGen allele CA389466390.

ClinVar aggregate classification (germline): Likely pathogenic (1 of 4 stars; one submission).

Conditions:
Tooth agenesis, selective, 3 (STHAG3). Also called: HYPODONTIA/OLIGODONTIA 3. Identifiers: Orphanet 99798, MedGen C1970291, MONDO:0011477, OMIM 604625. Disease mechanism: loss of function.

Submission:

Center of Excellence in Precision Medicine and Digital Health (CEPMDH), Faculty of Dentistry, Chulalongkorn University
Classification: Likely pathogenic for Tooth agenesis, selective, 3. Review status: criteria provided, single submitter. Criteria: ACMG Guidelines, 2015. Collection method: research. Allele origin: germline. Inheritance: Autosomal dominant inheritance. Affected: yes. Observed: 1 variant allele, 1 heterozygote.
Comment: This variant was absent from Exome Sequencing Project, 1000 Genomes Project, Genome Aggregation Database or in-house Thai exome database. The Arg77Gln variant was classified as likely pathogenic by ACMG standard guidelines for the clinical interpretation of sequence variants.